The following is an entry in ClinVar:

NM_000059.4(BRCA2):c.4683T>C (p.His1561=)

Gene: BRCA2 (BRCA2 DNA repair associated; plus strand). Cytogenetic location: 13q13.1.
Variant type: single nucleotide variant.
Coding change: c.4683T>C on transcript NM_000059.4 (MANE Select); coding-DNA position 4683, T replaced by C.
Protein change: p.His1561=; no amino-acid change (histidine 1561 retained).
Molecular consequence: synonymous variant.
Genome position (GRCh38, 1-based): chr13:32,339,038, T>C. VCF-style: chr13-32339038-T-C. GRCh37 (hg19) VCF-style: chr13-32913175-T-C.
Identifiers: ClinVar variation 231806 (VCV000231806.10), dbSNP rs876659377, ClinGen allele CA10579628.

ClinVar aggregate classification (germline): Likely benign. Review status: reviewed by expert panel (3 of 4 stars). 4 submissions from 4 submitters: Likely benign (1). 3 of the submissions do not count toward it. Last evaluated 2017-06-29.

Conditions:
Hereditary cancer-predisposing syndrome. Also called: Hereditary Cancer Syndrome; Neoplastic Syndromes, Hereditary; Tumor predisposition; Hereditary neoplastic syndrome. Identifiers: Orphanet 140162, MedGen C0027672, MeSH D009386, MONDO:0015356.
Breast-ovarian cancer, familial, susceptibility to, 2 (BROVCA2). Also called: BRCA2 Hereditary Breast and Ovarian Cancer. Identifiers: Orphanet 145, MedGen C2675520, MONDO:0012933, OMIM 612555. Disease mechanism: loss of function.
Hereditary breast ovarian cancer syndrome. Also called: Hereditary breast and/or ovarian cancer syndrome; BRCA1- and BRCA2-Associated Hereditary Breast and Ovarian Cancer; Hereditary breast and ovarian cancer syndrome (HBOC); Hereditary breast and ovarian cancer; Hereditary breast and ovarian cancer syndrome; Breast and ovarian cancer. Identifiers: Orphanet 145, MedGen C0677776, MeSH D061325, MONDO:0003582. Disease mechanism: loss of function.

Submissions (4):

Evidence-based Network for the Interpretation of Germline Mutant Alleles (ENIGMA)
Classification: Likely benign for Breast-ovarian cancer, familial, susceptibility to, 2. Last evaluated: 2017-06-29. Review status: reviewed by expert panel. Criteria: ENIGMA BRCA1/2 Classification Criteria (2017-06-29). Collection method: curation. Allele origin: germline.
Comment: Synonymous substitution variant, with low bioinformatic likelihood to result in a splicing aberration (Splicing prior probability 0.02).

Labcorp Genetics (formerly Invitae), Labcorp
Classification: Likely benign for Hereditary breast ovarian cancer syndrome. Last evaluated: 2024-10-31. Review status: criteria provided, single submitter. Criteria: Invitae Variant Classification Sherloc (09022015). Collection method: clinical testing. Allele origin: germline. Not counted in ClinVar's aggregate classification.

All of Us Research Program, National Institutes of Health
Classification: Likely benign for Breast-ovarian cancer, familial, susceptibility to, 2. Last evaluated: 2023-08-15. Review status: criteria provided, single submitter. Criteria: ACMG Guidelines, 2015. Collection method: clinical testing. Allele origin: germline. Inheritance: Autosomal dominant inheritance. Observed: 1 variant allele, 1 heterozygote. Not counted in ClinVar's aggregate classification.
Comment: This study involves interpretation of variants in research participants for the purpose of population health screening. Participant phenotype was not available at the time of variant classification. Additional details can be found in publication PMID: 35346344, PMCID: PMC8962531

Ambry Genetics
Classification: Likely benign for Hereditary cancer-predisposing syndrome. Last evaluated: 2015-05-17. Review status: criteria provided, single submitter. Criteria: Ambry Variant Classification Scheme 2023. Collection method: clinical testing. Allele origin: germline. Not counted in ClinVar's aggregate classification.